The following is an entry in ClinVar:

ClinVar aggregate classification (germline): Uncertain significance (1 of 4 stars; one submission).

Submission:

Labcorp Genetics (formerly Invitae), Labcorp
Classification: Uncertain significance. Last evaluated: 2023-02-27. Review status: criteria provided, single submitter. Criteria: Invitae Variant Classification Sherloc (09022015). Collection method: clinical testing. Allele origin: germline.
Comment: In summary, the available evidence is currently insufficient to determine the role of this variant in disease. Therefore, it has been classified as a Variant of Uncertain Significance. Advanced modeling of protein sequence and biophysical properties (such as structural, functional, and spatial information, amino acid conservation, physicochemical variation, residue mobility, and thermodynamic stability) performed at Invitae indicates that this missense variant is not expected to disrupt KMT2A protein function. This variant has not been reported in the literature in individuals affected with KMT2A-related conditions. This variant is not present in population databases (gnomAD no frequency). This sequence change replaces lysine, which is basic and polar, with glutamic acid, which is acidic and polar, at codon 2716 of the KMT2A protein (p.Lys2716Glu).

NM_001197104.2(KMT2A):c.8146A>G (p.Lys2716Glu)

Gene: KMT2A (lysine methyltransferase 2A; plus strand). Cytogenetic location: 11q23.3.
Variant type: single nucleotide variant.
Coding change: c.8146A>G on transcript NM_001197104.2 (MANE Select); coding-DNA position 8146, A replaced by G.
Protein change: p.Lys2716Glu; replaces lysine 2716 with glutamic acid.
Molecular consequence: missense variant.
Genome position (GRCh38, 1-based): chr11:118,504,038, A>G. VCF-style: chr11-118504038-A-G. GRCh37 (hg19) VCF-style: chr11-118374753-A-G.
Other names: c.8236A>G, p.Lys2746Glu (NM_001412597.1); c.8137A>G, p.Lys2713Glu (NM_005933.4); short protein forms K2746E, K2713E, K2716E.
Identifiers: ClinVar variation 2841379 (VCV002841379.3), dbSNP rs2497006812, ClinGen allele CA382808883.
Genomic context (GRCh38, chr11:118,504,038, plus strand): 5'-GGAGAGGAACGACTGGCATCCCATAATTTATTTCGGGAGGAGGAACAGTGTGATCTTCCA[A>G]AAATCTCACAGTTGGATGGTGTTGATGATGGGACAGAGAGTGATACTAGTGTCACAGCCA-3'
Protein context (NP_001184033.1, residues 2706-2726): FREEEQCDLP[Lys2716Glu]ISQLDGVDDG